The following is an entry in ClinVar:

ClinVar aggregate classification (germline): Uncertain significance. Review status: criteria provided, multiple submitters, no conflicts (2 of 4 stars). 4 submissions from 4 submitters: Uncertain significance (4). Last evaluated 2025-10-29.

Conditions:
Lynch syndrome. Identifiers: Orphanet 144, MedGen C4552100, MONDO:0005835. Disease mechanism: loss of function.
Hereditary cancer-predisposing syndrome. Also called: Hereditary Cancer Syndrome; Neoplastic Syndromes, Hereditary; Tumor predisposition; Hereditary neoplastic syndrome. Identifiers: Orphanet 140162, MedGen C0027672, MeSH D009386, MONDO:0015356.
Hereditary nonpolyposis colorectal neoplasms. Identifiers: MedGen C0009405, MeSH D003123.

Submissions (4):

Ambry Genetics
Classification: Uncertain significance for Hereditary cancer-predisposing syndrome. Last evaluated: 2025-10-29. Review status: criteria provided, single submitter. Criteria: Ambry Variant Classification Scheme 2023. Collection method: clinical testing. Allele origin: germline.
Comment: The p.M184I variant (also known as c.552G>T), located in coding exon 6 of the PMS2 gene, results from a G to T substitution at nucleotide position 552. The methionine at codon 184 is replaced by isoleucine, an amino acid with highly similar properties. This amino acid position is highly conserved in available vertebrate species. In addition, this alteration is predicted to be deleterious by in silico analysis. Based on the available evidence, the clinical significance of this variant remains unclear.

Color Diagnostics, LLC DBA Color Health
Classification: Uncertain significance for Hereditary cancer-predisposing syndrome. Last evaluated: 2025-06-13. Review status: criteria provided, single submitter. Criteria: ACMG Guidelines, 2015. Collection method: clinical testing. Allele origin: germline.
Comment: This missense variant replaces methionine with isoleucine at codon 184 of the PMS2 protein. Computational prediction suggests that this variant may not impact protein structure and function. To our knowledge, functional studies have not been reported for this variant. This variant has not been reported in individuals affected with PMS2-related disorders in the literature. This variant has not been identified in the general population by the Genome Aggregation Database (gnomAD). The available evidence is insufficient to determine the role of this variant in disease conclusively. Therefore, this variant is classified as a Variant of Uncertain Significance.

Labcorp Genetics (formerly Invitae), Labcorp
Classification: Uncertain significance for Hereditary nonpolyposis colorectal neoplasms. Last evaluated: 2024-02-07. Review status: criteria provided, single submitter. Criteria: Invitae Variant Classification Sherloc (09022015). Collection method: clinical testing. Allele origin: germline.
Comment: This sequence change replaces methionine, which is neutral and non-polar, with isoleucine, which is neutral and non-polar, at codon 184 of the PMS2 protein (p.Met184Ile). This variant is not present in population databases (gnomAD no frequency). This variant has not been reported in the literature in individuals affected with PMS2-related conditions. ClinVar contains an entry for this variant (Variation ID: 490108). Advanced modeling of protein sequence and biophysical properties (such as structural, functional, and spatial information, amino acid conservation, physicochemical variation, residue mobility, and thermodynamic stability) performed at Invitae indicates that this missense variant is expected to disrupt PMS2 protein function with a positive predictive value of 80%. In summary, the available evidence is currently insufficient to determine the role of this variant in disease. Therefore, it has been classified as a Variant of Uncertain Significance.

Mendelics
Classification: Uncertain significance for Lynch syndrome. Last evaluated: 2018-07-02. Review status: criteria provided, single submitter. Criteria: Mendelics Assertion Criteria 2017. Collection method: clinical testing. Allele origin: unknown.

NM_000535.7(PMS2):c.552G>T (p.Met184Ile)

Gene: PMS2 (PMS1 homolog 2, mismatch repair system component; minus strand). Cytogenetic location: 7p22.1.
Variant type: single nucleotide variant.
Coding change: c.552G>T on transcript NM_000535.7 (MANE Select); coding-DNA position 552, G replaced by T.
Protein change: p.Met184Ile; replaces methionine 184 with isoleucine.
Molecular consequence: missense variant. On other transcripts: non-coding transcript variant (1), intron variant (3).
Genome position (GRCh38, 1-based): chr7:5,999,261, C>A on the plus strand (G>T on the coding strand, the complement: PMS2 is on the minus strand). VCF-style: chr7-5999261-C-A. GRCh37 (hg19) VCF-style: chr7-6038892-C-A.
Other names: c.147G>T, p.Met49Ile (NM_001322003.2, NM_001322004.2, NM_001322005.2 and 2 more transcripts); c.552G>T, p.Met184Ile (NM_001322006.2, NM_001322014.2); c.234G>T, p.Met78Ile (NM_001322007.2, NM_001322008.2); c.243G>T, p.Met81Ile (NM_001322015.2); c.133-1838G>T (NM_001322013.2); c.-347-35G>T (NM_001322012.2, NM_001322011.2); short protein forms M184I, M49I, M81I, M78I.
Identifiers: ClinVar variation 490108 (VCV000490108.12), dbSNP rs764853641, ClinGen allele CA366744106.